The following is an entry in ClinVar:

NM_015175.3(NBEAL2):c.*65A>G

Gene: NBEAL2 (neurobeachin like 2; plus strand). Cytogenetic location: 3p21.31.
Variant type: single nucleotide variant.
Coding change: c.*65A>G on transcript NM_015175.3 (MANE Select); 65 bases downstream of the stop codon, A replaced by G.
Molecular consequence: 3 prime UTR variant.
Genome position (GRCh38, 1-based): chr3:47,009,385, A>G. VCF-style: chr3-47009385-A-G. GRCh37 (hg19) VCF-style: chr3-47050875-A-G.
Other names: c.*65A>G (NM_001365116.2).
Identifiers: ClinVar variation 345696 (VCV000345696.5), dbSNP rs538014431, ClinGen allele CA2362413.

ClinVar aggregate classification (germline): Likely benign (1 of 4 stars; one submission).

Conditions:
Gray platelet syndrome (GPS). Also called: BLEEDING DISORDER, PLATELET-TYPE, 4. Identifiers: Orphanet 721, MedGen C0272302, MONDO:0007686, OMIM 139090.

Allele frequency attached by ClinVar (database versions not stated): gnomAD 0.00001 and 0.00032; TOPMed 0.00005; gnomAD exomes 0.00060 and 0.00162; 1000 Genomes Project 30x 0.00219; 1000 Genomes Project 0.00220; ExAC 0.00506.
gnomAD v4.1: 847 of 1,481,046 alleles (0.057%); highest among the groups gnomAD compares: South Asian, 0.99%; 7 homozygotes.

Submission:

Illumina Laboratory Services, Illumina
Classification: Likely benign for Gray platelet syndrome. Last evaluated: 2018-01-13. Review status: criteria provided, single submitter. Criteria: ICSL Variant Classification Criteria 13 December 2019. Collection method: clinical testing. Allele origin: germline.
Comment: This variant was observed in the ICSL laboratory as part of a predisposition screen in an ostensibly healthy population. It had not been previously curated by ICSL or reported in the Human Gene Mutation Database (HGMD: prior to June 1st, 2018), and was therefore a candidate for classification through an automated scoring system. Utilizing variant allele frequency, disease prevalence and penetrance estimates, and inheritance mode, an automated score was calculated to assess if this variant is too frequent to cause the disease. Based on the score and internal cut-off values, a variant classified as likely benign is not then subjected to further curation. The score for this variant resulted in a classification of likely benign for this disease.